The following is an entry in ClinVar:

NM_014727.3(KMT2B):c.6395G>A (p.Arg2132Lys)

Gene: KMT2B (lysine methyltransferase 2B; plus strand). Cytogenetic location: 19q13.12.
Variant type: single nucleotide variant.
Coding change: c.6395G>A on transcript NM_014727.3 (MANE Select); coding-DNA position 6395, G replaced by A.
Protein change: p.Arg2132Lys; replaces arginine 2132 with lysine.
Molecular consequence: missense variant.
Genome position (GRCh38, 1-based): chr19:35,732,944, G>A. VCF-style: chr19-35732944-G-A. GRCh37 (hg19) VCF-style: chr19-36223845-G-A.
Other names: short protein forms R2132K.
Identifiers: ClinVar variation 4996572 (VCV004996572.1).

ClinVar aggregate classification (germline): Uncertain significance (1 of 4 stars; one submission).

Conditions:
KMT2B-related disorder. Also called: KMT2B-related disorders; KMT2B-related condition. Identifiers: MedGen CN381338.

Submission:

PreventionGenetics, part of Exact Sciences
Classification: Uncertain significance for KMT2B-related condition. Last evaluated: 2026-07-27. Review status: criteria provided, single submitter. Criteria: ACMG Guidelines, 2015. Collection method: clinical testing. Allele origin: germline.
Comment: The KMT2B c.6395G>A variant is predicted to result in the amino acid substitution p.Arg2132Lys. To our knowledge, this variant has not been reported in the literature. This variant is reported in 0.0076% of alleles in individuals of African descent in gnomAD. At this time, the clinical significance of this variant is uncertain due to the absence of conclusive functional and genetic evidence.